The following is an entry in ClinVar:

ClinVar aggregate classification (germline): Likely benign (1 of 4 stars; one submission).

Allele frequency attached by ClinVar (database versions not stated): gnomAD 0.00006; ExAC 0.00007; 1000 Genomes Project 30x 0.00016; 1000 Genomes Project 0.00020.
gnomAD v4.1: 95 of 1,607,412 alleles (0.0059%); highest among the groups gnomAD compares: East Asian, 0.025%; no homozygotes.

Submission:

CeGaT Center for Human Genetics Tuebingen
Classification: Likely benign. Last evaluated: 2022-09-01. Review status: criteria provided, single submitter. Criteria: CeGaT Center For Human Genetics Tuebingen Variant Classification Criteria Version 2. Collection method: clinical testing. Allele origin: germline. Affected: yes. Observed: 1 variant allele.
Comment: DNER: BP4, BP7

NM_139072.4(DNER):c.633G>A (p.Ala211=)

Gene: DNER (delta/notch like EGF repeat containing; minus strand). Cytogenetic location: 2q36.3.
Variant type: single nucleotide variant.
Coding change: c.633G>A on transcript NM_139072.4 (MANE Select); coding-DNA position 633, G replaced by A.
Protein change: p.Ala211=; no amino-acid change (alanine 211 retained).
Molecular consequence: synonymous variant.
Genome position (GRCh38, 1-based): chr2:229,588,441, C>T on the plus strand (G>A on the coding strand, the complement: DNER is on the minus strand). VCF-style: chr2-229588441-C-T. GRCh37 (hg19) VCF-style: chr2-230453157-C-T.
Identifiers: ClinVar variation 2651971 (VCV002651971.24), dbSNP rs200771367, ClinGen allele CA2152034.
Genomic context (GRCh38, chr2:229,588,441, plus strand): 5'-AGAATTTTCTTACTTGACTGAGGTGTTCTGTGGCACTTCAAAGGATACCAGGCGGCCACC[C>T]GCAGAGCTGTTAGAACTGGCATTCCCACAGGCAATATCTGGGATCACCTGGGAAGGGAAA-3'
Protein context (NP_620711.3, residues 201-221): ACGNASSNSS[Ala211=]GGRLVSFEVP